The following is an entry in ClinVar:

ClinVar aggregate classification (germline): Uncertain significance. Review status: criteria provided, multiple submitters, no conflicts (2 of 4 stars). 3 submissions from 3 submitters: Uncertain significance (3). Last evaluated 2022-11-18.

Conditions:
Cystic fibrosis (CF). Also called: MUCOVISCIDOSIS. Identifiers: Orphanet 586, MedGen C0010674, MONDO:0009061, OMIM 219700. Disease mechanism: loss of function.

Allele frequency attached by ClinVar (database versions not stated): TOPMed below 0.00001; ExAC 0.00002; gnomAD exomes 0.00002 and 0.00001.
gnomAD v4.1: 29 of 1,613,404 alleles (0.0018%); highest among the groups gnomAD compares: Non-Finnish European, 0.0024%; no homozygotes.

Submissions (3):

Ambry Genetics
Classification: Uncertain significance for Cystic fibrosis. Last evaluated: 2022-11-18. Review status: criteria provided, single submitter. Criteria: Ambry Variant Classification Scheme 2023. Collection method: clinical testing. Allele origin: germline.
Comment: The p.S1188P variant (also known as c.3562T>C), located in coding exon 22 of the CFTR gene, results from a T to C substitution at nucleotide position 3562. The serine at codon 1188 is replaced by proline, an amino acid with similar properties. This amino acid position is conserved. In addition, the in silico prediction for this alteration is inconclusive. Since supporting evidence is limited at this time, the clinical significance of this alteration remains unclear.

Labcorp Genetics (formerly Invitae), Labcorp
Classification: Uncertain significance for Cystic fibrosis. Last evaluated: 2022-05-25. Review status: criteria provided, single submitter. Criteria: Invitae Variant Classification Sherloc (09022015). Collection method: clinical testing. Allele origin: germline.
Comment: This sequence change replaces serine, which is neutral and polar, with proline, which is neutral and non-polar, at codon 1188 of the CFTR protein (p.Ser1188Pro). This variant is present in population databases (rs762167681, gnomAD 0.003%). This variant has not been reported in the literature in individuals affected with CFTR-related conditions. Algorithms developed to predict the effect of missense changes on protein structure and function (SIFT, PolyPhen-2, Align-GVGD) all suggest that this variant is likely to be tolerated. In summary, the available evidence is currently insufficient to determine the role of this variant in disease. Therefore, it has been classified as a Variant of Uncertain Significance.

Women's Health and Genetics/Laboratory Corporation of America, LabCorp
Classification: Uncertain significance. Last evaluated: 2022-04-27. Review status: criteria provided, single submitter. Criteria: LabCorp Variant Classification Summary - May 2015. Collection method: clinical testing. Allele origin: germline.
Comment: Variant summary: CFTR c.3562T>C (p.Ser1188Pro) results in a non-conservative amino acid change in the encoded protein sequence. Three of five in-silico tools predict a damaging effect of the variant on protein function. The variant allele was found at a frequency of 1.2e-05 in 250602 control chromosomes. The available data on variant occurrences in the general population are insufficient to allow any conclusion about variant significance. To our knowledge, no occurrence of c.3562T>C in individuals affected with Chronic Pancreatitis Risk and no experimental evidence demonstrating its impact on protein function have been reported. No clinical diagnostic laboratories have submitted clinical-significance assessments for this variant to ClinVar after 2014. Based on the evidence outlined above, the variant was classified as uncertain significance.

NM_000492.4(CFTR):c.3562T>C (p.Ser1188Pro)

Genes: CFTR (CF transmembrane conductance regulator; plus strand), CFTR-AS2 (CFTR antisense RNA 2; minus strand). Cytogenetic location: 7q31.2.
Variant type: single nucleotide variant.
Coding change: c.3562T>C on transcript NM_000492.4 (MANE Select); coding-DNA position 3562, T replaced by C.
Protein change: p.Ser1188Pro; replaces serine 1188 with proline.
Molecular consequence: missense variant.
Genome position (GRCh38, 1-based): chr7:117,627,615, T>C. VCF-style: chr7-117627615-T-C. GRCh37 (hg19) VCF-style: chr7-117267669-T-C.
Other names: short protein forms S1188P.
Identifiers: ClinVar variation 1472698 (VCV001472698.8), dbSNP rs762167681, ClinGen allele CA4451499.
Genomic context (GRCh38, chr7:117,627,615, plus strand): 5'-GACATGCCAACAGAAGGTAAACCTACCAAGTCAACCAAACCATACAAGAATGGCCAACTC[T>C]CGAAAGTTATGATTATTGAGAATTCACACGTGAAGAAAGATGACATCTGGCCCTCAGGGG-3'
Protein context (NP_000483.3, residues 1178-1198): STKPYKNGQL[Ser1188Pro]KVMIIENSHV